The following is an entry in ClinVar:

NM_001042492.3(NF1):c.3111T>C (p.Phe1037=)

Gene: NF1 (neurofibromin 1; plus strand). Cytogenetic location: 17q11.2.
Variant type: single nucleotide variant.
Coding change: c.3111T>C on transcript NM_001042492.3 (MANE Select); coding-DNA position 3111, T replaced by C.
Protein change: p.Phe1037=; no amino-acid change (phenylalanine 1037 retained).
Molecular consequence: synonymous variant.
Genome position (GRCh38, 1-based): chr17:31,230,380, T>C. VCF-style: chr17-31230380-T-C. GRCh37 (hg19) VCF-style: chr17-29557398-T-C.
Other names: c.3111T>C, p.Phe1037= (NM_000267.4).
Identifiers: ClinVar variation 184805 (VCV000184805.21), dbSNP rs200240170, ClinGen allele CA190097.
Genomic context (GRCh38, chr17:31,230,380, plus strand): 5'-ATTAGTTGAAGTAATGATGGCAAGGAGAGATGACCTCTCATTTTGCCAAGAGATGAAATT[T>C]AGGTGAGTTCTCAAAAGAGCAATGTAGGGTCTTGTAAATCTTAATATGTCCAATGAAGTA-3'
Protein context (NP_001035957.1, residues 1027-1047): DDLSFCQEMK[Phe1037=]RNKMVEYLTD

ClinVar aggregate classification (germline): Benign/Likely benign. Review status: criteria provided, multiple submitters, no conflicts (2 of 4 stars). 9 submissions from 9 submitters: Benign (1); Likely benign (7). 1 of the submissions does not count toward it. Last evaluated 2026-08-01.

Conditions:
NF1-related disorder. Also called: NF1-related condition. Identifiers: MedGen CN379171.
Hereditary cancer-predisposing syndrome. Also called: Hereditary neoplastic syndrome; Tumor predisposition; Neoplastic Syndromes, Hereditary; Hereditary Cancer Syndrome. Identifiers: Orphanet 140162, MedGen C0027672, MeSH D009386, MONDO:0015356.
Neurofibromatosis, type 1 (NF1). Also called: Peripheral type neurofibromatosis; Neurofibromatosis, type I; NEUROFIBROMATOSIS, TYPE I, SOMATIC; VON RECKLINGHAUSEN DISEASE. Identifiers: Orphanet 636, MedGen C0027831, MONDO:0018975, OMIM 162200. Disease mechanism: loss of function.

Allele frequency attached by ClinVar (database versions not stated): TOPMed below 0.00001; ExAC 0.00001; gnomAD 0.00001; gnomAD exomes 0.00001 and 0.00002.
gnomAD v4.1: 33 of 1,613,308 alleles (0.002%); highest among the groups gnomAD compares: Non-Finnish European, 0.0027%; no homozygotes.

Submissions (9):

CeGaT Center for Human Genetics Tuebingen
Classification: Likely benign. Last evaluated: 2026-08-01. Review status: criteria provided, single submitter. Criteria: CeGaT Center For Human Genetics Tuebingen Variant Classification Criteria Version 2. Collection method: clinical testing. Allele origin: germline. Affected: yes. Observed: 1 variant allele.
Comment: NF1: BP4, BP7

Myriad Genetics, Inc.
Classification: Benign for Neurofibromatosis, type 1. Last evaluated: 2026-05-20. Review status: criteria provided, single submitter. Criteria: Myriad Autosomal Dominant, Autosomal Recessive and X-Linked Classification Criteria (2023). Collection method: clinical testing. Allele origin: unknown.
Comment: This variant is considered benign. This variant is a silent/synonymous amino acid change and it is not expected to impact splicing.

Labcorp Genetics (formerly Invitae), Labcorp
Classification: Likely benign for Neurofibromatosis, type 1. Last evaluated: 2026-02-03. Review status: criteria provided, single submitter. Criteria: Invitae Variant Classification Sherloc (09022015). Collection method: clinical testing. Allele origin: germline.

Genome-Nilou Lab
Classification: Likely benign for Neurofibromatosis, type 1. Last evaluated: 2022-03-15. Review status: criteria provided, single submitter. Criteria: ACMG Guidelines, 2015. Collection method: clinical testing. Allele origin: germline. Affected: no.

Sema4
Classification: Likely benign for Hereditary cancer-predisposing syndrome. Last evaluated: 2021-09-03. Review status: criteria provided, single submitter. Criteria: Sema4 Curation Guidelines. Collection method: curation. Allele origin: germline.

GeneDx
Classification: Likely benign. Last evaluated: 2021-01-13. Review status: criteria provided, single submitter. Criteria: GeneDx Variant Classification Process June 2021. Collection method: clinical testing. Allele origin: germline. Affected: yes.

Women's Health and Genetics/Laboratory Corporation of America, LabCorp
Classification: Likely benign. Last evaluated: 2019-06-28. Review status: criteria provided, single submitter. Criteria: LabCorp Variant Classification Summary - May 2015. Collection method: clinical testing. Allele origin: germline.
Comment: Variant summary: NF1 c.3111T>C (p.Phe1037Phe) alters a non-conserved nucleotide located close to a canonical splice site and therefore could affect mRNA splicing, leading to a significantly altered protein sequence. 5/5 computational tools predict no significant impact on normal splicing. However, these predictions have yet to be confirmed by functional studies. The variant allele was found at a frequency of 8e-06 in 250886 control chromosomes (gnomAD). The available data on variant occurrences in the general population are insufficient to allow any conclusion about variant significance. To our knowledge, no occurrence of c.3111T>C in individuals affected with Neurofibromatosis Type 1 and no experimental evidence demonstrating its impact on protein function have been reported. Two ClinVar submissions (evaluation after 2014) cite the variant as likely benign. Based on the evidence outlined above, the variant was classified as likely benign.

Ambry Genetics
Classification: Likely benign for Hereditary cancer-predisposing syndrome. Last evaluated: 2015-09-03. Review status: criteria provided, single submitter. Criteria: Ambry Autosomal Dominant and X-Linked criteria (10/2015). Collection method: clinical testing. Allele origin: germline. Observed: 1 variant allele.

PreventionGenetics, part of Exact Sciences
Classification: Likely benign for NF1-related condition. Last evaluated: 2020-01-07. Review status: no assertion criteria provided. Collection method: clinical testing. Allele origin: germline. Not counted in ClinVar's aggregate classification.
Comment: This variant is classified as likely benign based on ACMG/AMP sequence variant interpretation guidelines (Richards et al. 2015 PMID: 25741868, with internal and published modifications).